The following is an entry in ClinVar:

ClinVar aggregate classification (germline): Uncertain significance (1 of 4 stars; one submission).

Conditions:
Bethlem myopathy 1A. Also called: Bethlem myopathy 1; MYOPATHY, BENIGN CONGENITAL, WITH CONTRACTURES; Bethlem Muscular Dystrophy. Identifiers: Orphanet 610, MedGen CN029274, MONDO:0024530, OMIM 158810.

Allele frequency attached by ClinVar (database versions not stated): gnomAD exomes below 0.00001.

Submission:

Labcorp Genetics (formerly Invitae), Labcorp
Classification: Uncertain significance for Bethlem myopathy 1A. Last evaluated: 2023-10-23. Review status: criteria provided, single submitter. Criteria: Invitae Variant Classification Sherloc (09022015). Collection method: clinical testing. Allele origin: germline.
Comment: This sequence change replaces isoleucine, which is neutral and non-polar, with threonine, which is neutral and polar, at codon 294 of the COL6A2 protein (p.Ile294Thr). This variant is not present in population databases (gnomAD no frequency). This variant has not been reported in the literature in individuals affected with COL6A2-related conditions. ClinVar contains an entry for this variant (Variation ID: 568854). Advanced modeling of protein sequence and biophysical properties (such as structural, functional, and spatial information, amino acid conservation, physicochemical variation, residue mobility, and thermodynamic stability) performed at Invitae indicates that this missense variant is expected to disrupt COL6A2 protein function with a positive predictive value of 80%. In summary, the available evidence is currently insufficient to determine the role of this variant in disease. Therefore, it has been classified as a Variant of Uncertain Significance.

NM_001849.4(COL6A2):c.881T>C (p.Ile294Thr)

Gene: COL6A2 (collagen type VI alpha 2 chain; plus strand). Cytogenetic location: 21q22.3.
Variant type: single nucleotide variant.
Coding change: c.881T>C on transcript NM_001849.4 (MANE Select); coding-DNA position 881, T replaced by C.
Protein change: p.Ile294Thr; replaces isoleucine 294 with threonine.
Molecular consequence: missense variant.
Genome position (GRCh38, 1-based): chr21:46,116,034, T>C. VCF-style: chr21-46116034-T-C. GRCh37 (hg19) VCF-style: chr21-47535948-T-C.
Other names: c.881T>C, p.Ile294Thr (NM_058174.3, NM_058175.3); short protein forms I294T.
Identifiers: ClinVar variation 568854 (VCV000568854.11), dbSNP rs1568928972, ClinGen allele CA410525262.